The following is an entry in ClinVar:

ClinVar aggregate classification (germline): Benign/Likely benign. Review status: criteria provided, multiple submitters, no conflicts (2 of 4 stars). 4 submissions from 4 submitters: Benign (1); Likely benign (3). Last evaluated 2025-04-28.

Conditions:
Familial adenomatous polyposis 1 (FAP1). Also called: POLYPOSIS, ADENOMATOUS INTESTINAL; FAMILIAL ADENOMATOUS POLYPOSIS 1, ATTENUATED. Identifiers: MedGen C2713442, MONDO:0021056, OMIM 175100. Disease mechanism: loss of function.
Hereditary cancer-predisposing syndrome. Also called: Hereditary neoplastic syndrome; Neoplastic Syndromes, Hereditary; Tumor predisposition; Hereditary Cancer Syndrome. Identifiers: Orphanet 140162, MedGen C0027672, MeSH D009386, MONDO:0015356.

Allele frequency attached by ClinVar (database versions not stated): gnomAD exomes below 0.00001.
gnomAD v4.1: 1 of 1,614,246 alleles (0.000062%); highest among the groups gnomAD compares: Non-Finnish European, 0.000085%; no homozygotes.

Submissions (4):

Color Diagnostics, LLC DBA Color Health
Classification: Likely benign for Hereditary cancer-predisposing syndrome. Last evaluated: 2025-04-28. Review status: criteria provided, single submitter. Criteria: ACMG Guidelines, 2015. Collection method: clinical testing. Allele origin: germline.

Myriad Genetics, Inc.
Classification: Benign for Familial adenomatous polyposis 1. Last evaluated: 2024-03-27. Review status: criteria provided, single submitter. Criteria: Myriad Autosomal Dominant, Autosomal Recessive and X-Linked Classification Criteria (2023). Collection method: clinical testing. Allele origin: unknown.
Comment: This variant is considered benign. This variant is a silent/synonymous amino acid change and it is not expected to impact splicing.

Labcorp Genetics (formerly Invitae), Labcorp
Classification: Likely benign for Familial adenomatous polyposis 1. Last evaluated: 2023-05-10. Review status: criteria provided, single submitter. Criteria: Invitae Variant Classification Sherloc (09022015). Collection method: clinical testing. Allele origin: germline.

Ambry Genetics
Classification: Likely benign for Hereditary cancer-predisposing syndrome. Last evaluated: 2019-12-11. Review status: criteria provided, single submitter. Criteria: Ambry Variant Classification Scheme 2023. Collection method: clinical testing. Allele origin: germline.

NM_000038.6(APC):c.4617A>G (p.Ser1539=)

Gene: APC (APC regulator of Wnt signaling pathway; plus strand). Cytogenetic location: 5q22.2.
Variant type: single nucleotide variant.
Coding change: c.4617A>G on transcript NM_000038.6 (MANE Select); coding-DNA position 4617, A replaced by G.
Protein change: p.Ser1539=; no amino-acid change (serine 1539 retained).
Molecular consequence: synonymous variant.
Genome position (GRCh38, 1-based): chr5:112,840,211, A>G. VCF-style: chr5-112840211-A-G. GRCh37 (hg19) VCF-style: chr5-112175908-A-G.
Other names: c.4617A>G, p.Ser1539= (NM_001127510.3, NM_001354895.2); c.4563A>G, p.Ser1521= (NM_001127511.3); c.4671A>G, p.Ser1557= (NM_001354896.2); c.4647A>G, p.Ser1549= (NM_001354897.2); c.4542A>G, p.Ser1514= (NM_001354898.2); c.4533A>G, p.Ser1511= (NM_001354899.2); c.4494A>G, p.Ser1498= (NM_001354900.2); c.4440A>G, p.Ser1480= (NM_001354901.2); and 5 more.
Identifiers: ClinVar variation 469972 (VCV000469972.18), dbSNP rs1554086014, ClinGen allele CA446206627.